The following is an entry in ClinVar:

ClinVar aggregate classification (germline): Likely benign (0 of 4 stars; one submission).

Conditions:
MC3R-related disorder. Also called: MC3R-related condition.

Allele frequency attached by ClinVar (database versions not stated): gnomAD exomes below 0.00001; ExAC 0.00001; TOPMed 0.00001; ESP Exome Variant Server 0.00008.

Submission:

PreventionGenetics, part of Exact Sciences
Classification: Likely benign for MC3R-related condition. Last evaluated: 2021-04-06. Review status: no assertion criteria provided. Collection method: clinical testing. Allele origin: germline.
Comment: This variant is classified as likely benign based on ACMG/AMP sequence variant interpretation guidelines (Richards et al. 2015 PMID: 25741868, with internal and published modifications).

NM_019888.3(MC3R):c.670C>T (p.Leu224=)

Gene: MC3R (melanocortin 3 receptor; plus strand). Cytogenetic location: 20q13.2.
Variant type: single nucleotide variant.
Coding change: c.670C>T on transcript NM_019888.3 (MANE Select); coding-DNA position 670, C replaced by T.
Protein change: p.Leu224=; no amino-acid change (leucine 224 retained).
Molecular consequence: synonymous variant.
Genome position (GRCh38, 1-based): chr20:56,249,513, C>T. VCF-style: chr20-56249513-C-T. GRCh37 (hg19) VCF-style: chr20-54824569-C-T.
Identifiers: ClinVar variation 3030318 (VCV003030318.2), dbSNP rs376863328, ClinGen allele CA9917062.